The following is an entry in ClinVar:

ClinVar aggregate classification (germline): Uncertain significance (1 of 4 stars; one submission).

Conditions:
Creatine transporter deficiency (CCDS1). Also called: CEREBRAL CREATINE DEFICIENCY SYNDROME 1; Mental retardation , X-linked with seizures, short stature and midface hypoplasia; Mental retardation , X-linked, with creatine transport deficiency; X-linked creatine transporter deficiency; X-linked creatine deficiency syndrome; SLC6A8-Related Creatine Transporter Deficiency. Identifiers: Orphanet 52503, MedGen C1845862, MONDO:0010305, OMIM 300352.

Submission:

Labcorp Genetics (formerly Invitae), Labcorp
Classification: Uncertain significance for Creatine transporter deficiency. Last evaluated: 2023-11-13. Review status: criteria provided, single submitter. Criteria: Invitae Variant Classification Sherloc (09022015). Collection method: clinical testing. Allele origin: germline.
Comment: This sequence change replaces leucine, which is neutral and non-polar, with methionine, which is neutral and non-polar, at codon 616 of the SLC6A8 protein (p.Leu616Met). This variant is not present in population databases (gnomAD no frequency). This variant has not been reported in the literature in individuals affected with SLC6A8-related conditions. Advanced modeling of protein sequence and biophysical properties (such as structural, functional, and spatial information, amino acid conservation, physicochemical variation, residue mobility, and thermodynamic stability) performed at Invitae indicates that this missense variant is not expected to disrupt SLC6A8 protein function with a negative predictive value of 95%. In summary, the available evidence is currently insufficient to determine the role of this variant in disease. Therefore, it has been classified as a Variant of Uncertain Significance.

NM_005629.4(SLC6A8):c.1846C>A (p.Leu616Met)

Gene: SLC6A8 (solute carrier family 6 member 8; plus strand). Cytogenetic location: Xq28.
Variant type: single nucleotide variant.
Coding change: c.1846C>A on transcript NM_005629.4 (MANE Select); coding-DNA position 1846, C replaced by A.
Protein change: p.Leu616Met; replaces leucine 616 with methionine.
Molecular consequence: missense variant.
Genome position (GRCh38, 1-based): chrX:153,695,152, C>A. VCF-style: chrX-153695152-C-A. GRCh37 (hg19) VCF-style: chrX-152960607-C-A.
Other names: c.1816C>A, p.Leu606Met (NM_001142805.2); c.1501C>A, p.Leu501Met (NM_001142806.1); short protein forms L501M, L606M, L616M.
Identifiers: ClinVar variation 2695483 (VCV002695483.3), dbSNP rs2522171964, ClinGen allele CA415091216.